The following is an entry in ClinVar:

ClinVar aggregate classification (germline): Likely benign. Review status: criteria provided, multiple submitters, no conflicts (2 of 4 stars). 3 submissions from 3 submitters: Likely benign (2). 1 of the submissions does not count toward it. Last evaluated 2025-11-22.

Conditions:
LRP5-related disorder. Also called: LRP5-related condition.

Allele frequency attached by ClinVar (database versions not stated): gnomAD exomes 0.00004; ExAC 0.00008; gnomAD 0.00013 and 0.00014; TOPMed 0.00015; ESP Exome Variant Server 0.00062.
gnomAD v4.1: 45 of 1,614,028 alleles (0.0028%); highest among the groups gnomAD compares: African/African-American, 0.055%; no homozygotes.

Submissions (3):

Labcorp Genetics (formerly Invitae), Labcorp
Classification: Likely benign. Last evaluated: 2025-11-22. Review status: criteria provided, single submitter. Criteria: Invitae Variant Classification Sherloc (09022015). Collection method: clinical testing. Allele origin: germline.

Blueprint Genetics
Classification: Likely benign. Last evaluated: 2024-02-12. Review status: criteria provided, single submitter. Criteria: ACMG Guidelines, 2015. Collection method: clinical testing. Allele origin: germline.

PreventionGenetics, part of Exact Sciences
Classification: Likely benign for LRP5-related condition. Last evaluated: 2019-10-16. Review status: no assertion criteria provided. Collection method: clinical testing. Allele origin: germline. Not counted in ClinVar's aggregate classification.
Comment: This variant is classified as likely benign based on ACMG/AMP sequence variant interpretation guidelines (Richards et al. 2015 PMID: 25741868, with internal and published modifications).

NM_002335.4(LRP5):c.1833G>A (p.Gly611=)

Gene: LRP5 (LDL receptor related protein 5; plus strand). Cytogenetic location: 11q13.2.
Variant type: single nucleotide variant.
Coding change: c.1833G>A on transcript NM_002335.4 (MANE Select); coding-DNA position 1833, G replaced by A.
Protein change: p.Gly611=; no amino-acid change (glycine 611 retained).
Molecular consequence: synonymous variant.
Genome position (GRCh38, 1-based): chr11:68,406,555, G>A. VCF-style: chr11-68406555-G-A. GRCh37 (hg19) VCF-style: chr11-68174023-G-A.
Other names: c.90G>A, p.Gly30= (NM_001291902.2); c.1833G>A (NM_002335.3).
Identifiers: ClinVar variation 1119151 (VCV001119151.12), dbSNP rs142126662, ClinGen allele CA6149471.